The following is an entry in ClinVar:

ClinVar aggregate classification (germline): Uncertain significance (1 of 4 stars; one submission).

Submission:

GeneDx
Classification: Uncertain significance. Last evaluated: 2026-10-23. Review status: criteria provided, single submitter. Criteria: GeneDx Variant Classification Process June 2021. Collection method: clinical testing. Allele origin: germline.
Comment: Not observed at significant frequency in large population cohorts (gnomAD); Missense variant in a gene in which most reported pathogenic variants are truncating/loss of function; Has not been previously published as pathogenic or benign to our knowledge

NM_001267550.2(TTN):c.36198T>G (p.Asp12066Glu)

Gene: TTN (titin; minus strand). Cytogenetic location: 2q31.2.
Variant type: single nucleotide variant.
Coding change: c.36198T>G on transcript NM_001267550.2 (MANE Select); coding-DNA position 36198, T replaced by G.
Protein change: p.Asp12066Glu; replaces aspartic acid 12066 with glutamic acid.
Molecular consequence: missense variant. On other transcripts: intron variant (5).
Genome position (GRCh38, 1-based): chr2:178,664,658, A>C on the plus strand (T>G on the coding strand, the complement: TTN is on the minus strand). VCF-style: chr2-178664658-A-C. GRCh37 (hg19) VCF-style: chr2-179529385-A-C.
Other names: c.13283-22341T>G (NM_003319.4); c.13859-22341T>G (NM_133437.4); c.13658-22341T>G (NM_133432.3); c.31484-1603T>G (NM_133378.4); c.34265-1603T>G (NM_001256850.1); short protein forms D12066E.
Identifiers: ClinVar variation 1801053 (VCV001801053.2), dbSNP rs751425228, ClinGen allele CA1997635.